The following is an entry in ClinVar:

NM_033305.3(VPS13A):c.7585del (p.Gln2529fs)

Gene: VPS13A (vacuolar protein sorting 13 homolog A; plus strand). Cytogenetic location: 9q21.2.
Variant type: Deletion.
Coding change: c.7585del on transcript NM_033305.3 (MANE Select); coding-DNA position 7585, one base deleted (C; older notation c.7585delC).
Protein change: p.Gln2529fs; shifts the reading frame from glutamine 2529.
Molecular consequence: frameshift variant.
Genome position (GRCh38, 1-based): chr9:77,353,574, C deleted. VCF-style (leftmost placement, unchanged base first): chr9-77353573-AC-A. GRCh37 (hg19) VCF-style: chr9-79968489-AC-A.
Other names: c.7468del, p.Gln2490fs (NM_001018037.2); c.7585del, p.Gln2529fs (NM_001018038.3, NM_015186.4); short protein forms Q2529fs, Q2490fs.
Identifiers: ClinVar variation 2123537 (VCV002123537.4), dbSNP rs2538132971, ClinGen allele CA2580080660.

ClinVar aggregate classification (germline): Pathogenic (1 of 4 stars; one submission).

Submission:

Labcorp Genetics (formerly Invitae), Labcorp
Classification: Pathogenic. Last evaluated: 2025-03-07. Review status: criteria provided, single submitter. Criteria: Invitae Variant Classification Sherloc (09022015). Collection method: clinical testing. Allele origin: germline.
Comment: This sequence change creates a premature translational stop signal (p.Gln2529Lysfs*16) in the VPS13A gene. It is expected to result in an absent or disrupted protein product. Loss-of-function variants in VPS13A are known to be pathogenic (PMID: 12404112, 21598378). This variant is not present in population databases (gnomAD no frequency). This variant has not been reported in the literature in individuals affected with VPS13A-related conditions. ClinVar contains an entry for this variant (Variation ID: 2123537). Algorithms developed to predict the effect of sequence changes on RNA splicing suggest that this variant may disrupt the consensus splice site. For these reasons, this variant has been classified as Pathogenic.

Literature cited by the submitters: PubMed 12404112; PubMed 21598378.